The following is an entry in ClinVar:

NM_004380.3(CREBBP):c.222A>G (p.Leu74=)

Gene: CREBBP (CREB binding lysine acetyltransferase; minus strand). Cytogenetic location: 16p13.3.
Variant type: single nucleotide variant.
Coding change: c.222A>G on transcript NM_004380.3 (MANE Select); coding-DNA position 222, A replaced by G.
Protein change: p.Leu74=; no amino-acid change (leucine 74 retained).
Molecular consequence: synonymous variant.
Genome position (GRCh38, 1-based): chr16:3,850,873, T>C on the plus strand (A>G on the coding strand, the complement: CREBBP is on the minus strand). VCF-style: chr16-3850873-T-C. GRCh37 (hg19) VCF-style: chr16-3900874-T-C.
Other names: c.222A>G, p.Leu74= (NM_001079846.1); c.222A>G (NM_004380.2).
Identifiers: ClinVar variation 2154241 (VCV002154241.6), dbSNP rs138944525, ClinGen allele CA7870723.

ClinVar aggregate classification (germline): Likely benign. Review status: criteria provided, single submitter (1 of 4 stars). 2 submissions from 2 submitters: Likely benign (1). 1 of the submissions does not count toward it. Last evaluated 2022-07-22.

Conditions:
CREBBP-related disorder. Also called: CREBBP-related disorders; CREBBP-related condition.
Rubinstein-Taybi syndrome (RSTS). Identifiers: Orphanet 783, MedGen C0035934, MONDO:0019188.

gnomAD v4.1: 39 of 1,614,072 alleles (0.0024%); highest among the groups gnomAD compares: Non-Finnish European, 0.0029%; no homozygotes.

Submissions (2):

Labcorp Genetics (formerly Invitae), Labcorp
Classification: Likely benign for Rubinstein-Taybi syndrome. Last evaluated: 2022-07-22. Review status: criteria provided, single submitter. Criteria: Invitae Variant Classification Sherloc (09022015). Collection method: clinical testing. Allele origin: germline.

PreventionGenetics, part of Exact Sciences
Classification: Likely benign for CREBBP-related condition. Last evaluated: 2022-06-08. Review status: no assertion criteria provided. Collection method: clinical testing. Allele origin: germline. Not counted in ClinVar's aggregate classification.
Comment: This variant is classified as likely benign based on ACMG/AMP sequence variant interpretation guidelines (Richards et al. 2015 PMID: 25741868, with internal and published modifications).